The following is an entry in ClinVar:

GRCh37/hg19 17q24.3-25.1(chr17:69501527-71380722)x1

Genes: CDC42EP4 (CDC42 effector protein 4; minus strand), COG1 (component of oligomeric golgi complex 1; plus strand), CPSF4L (cleavage and polyadenylation specific factor 4 like; minus strand), MTNAP1 (mitochondrial nucleoid associated protein 1; plus strand), SDK2 (sidekick cell adhesion molecule 2; minus strand) and 4 more. Cytogenetic location: 17q24.3-25.1.
Variant type: copy number loss.
Change: copy number 1 (one copy instead of two) of chr17:69,501,527-71,380,722 (1.88 Mb, GRCh37 coordinates, 1-based), cytogenetic band 17q24.3-25.1.
Identifiers: ClinVar variation 2685607 (VCV002685607.1).

ClinVar aggregate classification (germline): Pathogenic (1 of 4 stars; one submission).

Submission:

Quest Diagnostics Nichols Institute San Juan Capistrano
Classification: Pathogenic. Last evaluated: 2023-06-19. Review status: criteria provided, single submitter. Criteria: ACMG/ClinGen CNV Guidelines, 2019. Collection method: clinical testing. Allele origin: unknown.
Comment: This loss involves multiple protein-coding genes, including the entire SOX9 (OMIM 608160). Haploinsufficiency of SOX9 is associated with autosomal dominant campomelic dysplasia (CMPD; OMIM 114290), as well as acampomelic campomelic dysplasia, with or without sex reversal. See GeneReviews for additional information and references. There are no similar copy number losses of this region in the general populations of the Database of Genomic Variants. Thus, based on current medical literature and gene content, this copy number loss is interpreted as pathogenic.